The following is an entry in ClinVar:

NM_130839.5(UBE3A):c.859G>A (p.Val287Ile)

Genes: SNHG14 (small nucleolar RNA host gene 14; plus strand), UBE3A (ubiquitin protein ligase E3A; minus strand). Cytogenetic location: 15q11.2.
Variant type: single nucleotide variant.
Coding change: c.859G>A on transcript NM_130839.5 (MANE Select); coding-DNA position 859, G replaced by A.
Protein change: p.Val287Ile; replaces valine 287 with isoleucine.
Molecular consequence: missense variant. On other transcripts: non-coding transcript variant (1), intron variant (2).
Genome position (GRCh38, 1-based): chr15:25,371,315, C>T on the plus strand (G>A on the coding strand, the complement: UBE3A is on the minus strand). VCF-style: chr15-25371315-C-T. GRCh37 (hg19) VCF-style: chr15-25616462-C-T.
Other names: NM_130839.5(UBE3A):c.859G>A; p.Val287Ile; c.868G>A, p.Val290Ile (NM_000462.5); c.859G>A, p.Val287Ile (NM_001354505.1, NM_001354538.2, NM_001354545.2); c.799G>A, p.Val267Ile (NM_001354506.2, NM_001354507.2, NM_001354508.2 and 17 more transcripts); c.682G>A, p.Val228Ile (NM_001354546.2); c.301+4150G>A (NM_001354551.2); c.361+4150G>A (NM_001354550.2); short protein forms V267I, V287I, V290I, V228I.
Identifiers: ClinVar variation 420601 (VCV000420601.14), dbSNP rs1064794579, ClinGen allele CA16619910.
Genomic context (GRCh38, chr15:25,371,315, plus strand): 5'-AAAATAATGGCAAAGCCATTTCCAGATATTCAGGACTGTGGAGATTTCTATTCTCCATTA[C>T]GATAATGAACAAATTCAGATAATTAGGATCTCGAGAGTATACATTGTGATACGTCAAGTC-3'
Protein context (NP_570854.1, residues 277-297): DPNYLNLFII[Val287Ile]MENRNLHSPE

ClinVar aggregate classification (germline): Uncertain significance. Review status: reviewed by expert panel (3 of 4 stars). 3 submissions from 3 submitters: Uncertain significance (1). 2 of the submissions do not count toward it. Last evaluated 2026-04-23.

Conditions:
Angelman syndrome (AS). Also called: HAPPY PUPPET SYNDROME. Identifiers: Orphanet 72, MedGen C0162635, MONDO:0007113, OMIM 105830. Disease mechanism: loss of function. Inheritance: AS is caused by disruption of maternally imprinted UBE3A located within the 15q11.2-q13 Angelman syndrome/Prader-Willi syndrome (AS/PWS) region., imprinting disorder.

Allele frequency attached by ClinVar (database versions not stated): gnomAD exomes below 0.00001; TOPMed 0.00001.
gnomAD v4.1: 8 of 1,614,064 alleles (0.0005%); highest among the groups gnomAD compares: Non-Finnish European, 0.00059%; no homozygotes.

Submissions (3):

ClinGen Rett and Angelman-like Disorders Variant Curation Expert Panel
Classification: Uncertain significance for Angelman syndrome. Last evaluated: 2026-04-23. Review status: reviewed by expert panel. Criteria: ClinGen RettAS ACMG Specifications UBE3A V6.0.0. Collection method: curation. Allele origin: germline. Inheritance: Autosomal dominant inheritance.
Comment: The p.Val267Ile variant in UBE3A is present in one individual in gnomAD v2.1.1 (does not meet PM2_supporting or BS1). Computational analysis prediction tools suggests that the p.Val267Ile variant in UBE3A does not have a deleterious impact; however this information does not predict clinical significance on its own (BP4). In summary, the p.Val267Ile variant in UBE3A is classified as a variant of uncertain significance based on the ACMG/AMP criteria (BP4). (UBE3A Specifications v6.0; curation approved on 4/23/2026).

Labcorp Genetics (formerly Invitae), Labcorp
Classification: Uncertain significance for Angelman syndrome. Last evaluated: 2023-08-10. Review status: criteria provided, single submitter. Criteria: Invitae Variant Classification Sherloc (09022015). Collection method: clinical testing. Allele origin: germline. Not counted in ClinVar's aggregate classification.
Comment: This variant has not been reported in the literature in individuals affected with UBE3A-related conditions. This variant is present in population databases (no rsID available, gnomAD 0.0009%). This sequence change replaces valine, which is neutral and non-polar, with isoleucine, which is neutral and non-polar, at codon 267 of the UBE3A protein (p.Val267Ile). ClinVar contains an entry for this variant (Variation ID: 420601). In summary, the available evidence is currently insufficient to determine the role of this variant in disease. Therefore, it has been classified as a Variant of Uncertain Significance. Advanced modeling of protein sequence and biophysical properties (such as structural, functional, and spatial information, amino acid conservation, physicochemical variation, residue mobility, and thermodynamic stability) performed at Invitae indicates that this missense variant is not expected to disrupt UBE3A protein function.

GeneDx
Classification: Uncertain significance. Last evaluated: 2017-03-22. Review status: criteria provided, single submitter. Criteria: GeneDx Variant Classification (06012015). Collection method: clinical testing. Allele origin: germline. Affected: yes. Not counted in ClinVar's aggregate classification.
Comment: A variant of uncertain significance has been identified in the UBE3A gene. The V267I variant has not been published as a pathogenic variant, nor has it been reported as a benign variant to our knowledge. The V267I variant is not observed in large population cohorts (Lek et al., 2016; 1000 Genomes Consortium et al., 2015; Exome Variant Server). The V267I variant is a conservative amino acid substitution, which is not likely to impact secondary protein structure as these residues share similar properties. This substitution occurs at a position where amino acids with similar properties to Valine are tolerated across species, and Isoleucine has been seen at this position in evolution. However, a missense variant in a nearby residue (L263W) has been reported in the Human Gene Mutation Database in association with Angelman syndrome (Stenson et al., 2014). In silico analysis is inconsistent in its predictions as to whether or not the variant is damaging to the protein structure/function. Therefore, based on the currently available information, it is unclear whether this variant is a pathogenic variant or a rare benign variant.